The following is an entry in ClinVar:

NM_000179.3(MSH6):c.1661G>A (p.Arg554His)

Gene: MSH6 (mutS homolog 6; plus strand). Cytogenetic location: 2p16.3.
Variant type: single nucleotide variant.
Coding change: c.1661G>A on transcript NM_000179.3 (MANE Select); coding-DNA position 1661, G replaced by A.
Protein change: p.Arg554His; replaces arginine 554 with histidine.
Molecular consequence: missense variant.
Genome position (GRCh38, 1-based): chr2:47,799,644, G>A. VCF-style: chr2-47799644-G-A. GRCh37 (hg19) VCF-style: chr2-48026783-G-A.
Other names: p.R554H:CGT>CAT; c.1271G>A, p.Arg424His (NM_001281492.2); c.755G>A, p.Arg252His (NM_001281493.2, NM_001281494.2); short protein forms R554H, R424H, R252H.
Identifiers: ClinVar variation 182623 (VCV000182623.75), dbSNP rs730881791, ClinGen allele CA009015.

ClinVar aggregate classification (germline): Conflicting classifications of pathogenicity. Review status: criteria provided, conflicting classifications (1 of 4 stars). 11 submissions from 11 submitters: Uncertain significance (9); Benign (1). 1 of the submissions does not count toward it. Last evaluated 2026-01-31.

Conditions:
Endometrial carcinoma. Also called: Endometrial carcinoma, somatic. Identifiers: MedGen C0476089, MONDO:0002447, OMIM 608089, HP:0012114.
Lynch syndrome 5 (LYNCH5). Also called: Hereditary non-polyposis colorectal cancer, type 5; Colorectal cancer, hereditary nonpolyposis, type 5. Identifiers: Orphanet 144, MedGen C1833477, MONDO:0013710, OMIM 614350. Disease mechanism: loss of function.
Mismatch repair cancer syndrome 3. Identifiers: MedGen C5436807, MONDO:0030841, OMIM 619097.
Hereditary nonpolyposis colorectal neoplasms. Identifiers: MedGen C0009405, MeSH D003123.
Hereditary cancer-predisposing syndrome. Also called: Tumor predisposition; Neoplastic Syndromes, Hereditary; Hereditary Cancer Syndrome; Hereditary neoplastic syndrome. Identifiers: Orphanet 140162, MedGen C0027672, MeSH D009386, MONDO:0015356.
Lynch syndrome. Identifiers: Orphanet 144, MedGen C4552100, MONDO:0005835. Disease mechanism: loss of function.

Allele frequency attached by ClinVar (database versions not stated): TOPMed below 0.00001; gnomAD 0.00001; gnomAD exomes 0.00002 and 0.00004; ExAC 0.00004.
gnomAD v4.1: 31 of 1,613,992 alleles (0.0019%); highest among the groups gnomAD compares: South Asian, 0.014%; no homozygotes.

Submissions (11):

Labcorp Genetics (formerly Invitae), Labcorp
Classification: Benign for Hereditary nonpolyposis colorectal neoplasms. Last evaluated: 2026-01-31. Review status: criteria provided, single submitter. Criteria: Invitae Variant Classification Sherloc (09022015). Collection method: clinical testing. Allele origin: germline.

Dasa
Classification: Uncertain significance. Last evaluated: 2025-09-18. Review status: criteria provided, single submitter. Criteria: DASA Assertion Criteria. Collection method: clinical testing. Allele origin: germline.
Comment: NM_000179.3(MSH6):c.1661G>A (p.Arg554His) is a missense variant that results in the substitution of arginine with histidine. This variant is rare in population databases. Computational prediction algorithms are consistent with a benign effect. The currently available literature and clinical evidence are not sufficient to establish a definitive association between this variant and the reported condition. Therefore, this variant is classified as a variant of uncertain significance.

GeneDx
Classification: Uncertain significance. Last evaluated: 2025-07-13. Review status: criteria provided, single submitter. Criteria: GeneDx Variant Classification Process June 2021. Collection method: clinical testing. Allele origin: germline. Affected: yes.
Comment: In silico analysis suggests that this missense variant does not alter protein structure/function; This variant is associated with the following publications: (PMID: 34326862, 36243179, 32658311, 35264596, 35449176, 35534704, 17531815, 21120944)

Ambry Genetics
Classification: Uncertain significance for Hereditary cancer-predisposing syndrome. Last evaluated: 2025-05-16. Review status: criteria provided, single submitter. Criteria: Ambry Variant Classification Scheme 2023. Collection method: clinical testing. Allele origin: germline.
Comment: The p.R554H variant (also known as c.1661G>A), located in coding exon 4 of the MSH6 gene, results from a G to A substitution at nucleotide position 1661. The arginine at codon 554 is replaced by histidine, an amino acid with highly similar properties. This alteration was detected in a cohort of 1663 individuals diagnosed with breast cancer (Guindalini RSC et al. Sci Rep, 2022 Mar;12:4190). This alteration was also seen in 1/732 breast cancer patients, 0/189 colorectal cancer patients and 0/490 cancer-free elderly controls in a Turkish population (Akcay IM et al. Int J Cancer, 2021 Jan;148:285-295). This amino acid position is well conserved in available vertebrate species. In addition, the in silico prediction for this alteration is inconclusive. Based on the available evidence, the clinical significance of this variant remains unclear.

Quest Diagnostics Nichols Institute San Juan Capistrano
Classification: Uncertain significance. Last evaluated: 2024-06-25. Review status: criteria provided, single submitter. Criteria: Quest Diagnostics criteria. Collection method: clinical testing. Allele origin: unknown.
Comment: The MSH6 c.1661G>A (p.Arg554His) variant has been reported in the published literature in individuals with breast cancer (PMID: 35449176 (2022), 35264596 (2022), 32658311 (2021), 33471991 (2021), see also LOVD). This variant has also been identified in reportedly healthy individuals (PMID: 36243179 (2022), 34326862 (2021), 33471991 (2021), see also LOVD). The frequency of this variant in the general population, 0.00016 (5/30616 chromosomes (Genome Aggregation Database)), is uninformative in the assessment of its pathogenicity. Analysis of this variant using bioinformatics tools for the prediction of the effect of amino acid changes on protein structure and function yielded predictions that this variant is benign. Based on the available information, we are unable to determine the clinical significance of this variant.

Color Diagnostics, LLC DBA Color Health
Classification: Uncertain significance for Hereditary cancer-predisposing syndrome. Last evaluated: 2024-03-11. Review status: criteria provided, single submitter. Criteria: ACMG Guidelines, 2015. Collection method: clinical testing. Allele origin: germline.
Comment: This missense variant replaces arginine with histidine at codon 554 of the MSH6 protein. Computational prediction suggests that this variant may not impact protein structure and function (internally defined REVEL score threshold <= 0.5, PMID: 27666373). To our knowledge, functional studies have not been reported for this variant. This variant has not been reported in individuals affected with MSH6-related disorders in the literature. This variant has been identified in 10/250818 chromosomes in the general population by the Genome Aggregation Database (gnomAD). The available evidence is insufficient to determine the role of this variant in disease conclusively. Therefore, this variant is classified as a Variant of Uncertain Significance.

Fulgent Genetics
Classification: Uncertain significance for Endometrial carcinoma; Lynch syndrome 5; Mismatch repair cancer syndrome 3. Last evaluated: 2024-01-02. Review status: criteria provided, single submitter. Criteria: ACMG Guidelines, 2015. Collection method: clinical testing. Allele origin: germline.

Department of Pathology and Laboratory Medicine, Sinai Health System
Classification: Uncertain significance for Endometrial carcinoma; Lynch syndrome 5; Mismatch repair cancer syndrome 3. Last evaluated: 2023-07-31. Review status: criteria provided, single submitter. Criteria: ACMG Guidelines, 2015. Collection method: clinical testing. Allele origin: germline. Affected: yes.

Mendelics
Classification: Uncertain significance for Lynch syndrome. Last evaluated: 2018-07-02. Review status: criteria provided, single submitter. Criteria: Mendelics Assertion Criteria 2017. Collection method: clinical testing. Allele origin: unknown.

CeGaT Center for Human Genetics Tuebingen
Classification: Uncertain significance. Last evaluated: 2017-02-01. Review status: criteria provided, single submitter. Criteria: CeGaT Center For Human Genetics Tuebingen Variant Classification Criteria Version 2. Collection method: clinical testing. Allele origin: germline. Affected: yes. Observed: 1 variant allele.

Genetic Services Laboratory, University of Chicago
Classification: Uncertain significance. Last evaluated: 2022-07-14. Review status: no assertion criteria provided. Collection method: clinical testing. Allele origin: germline. Affected: no. Not counted in ClinVar's aggregate classification.
Comment: DNA sequence analysis of the MSH6 gene demonstrated a sequence change, c.1661G>A, in exon 4 that results in an amino acid change, p.Arg554His. This sequence change does not appear to have been previously described in individuals with MSH6-related disorders. This sequence change has been described in the gnomAD database with a frequency of 0.016% in the South Asian subpopulation (dbSNP rs730881791). The p.Arg554His change affects a moderately conserved amino acid residue located in a domain of the MSH6 protein that is known to be functional. In-silico pathogenicity prediction tools (SIFT, PolyPhen2, Align GVGD, REVEL) provide contradictory results for the p.Arg554His substitution. Due to insufficient evidences and the lack of functional studies, the clinical significance of the p.Arg554His change remains unknown at this time.

Literature cited by the submitters: PubMed 32658311 (cited by Ambry Genetics and Quest Diagnostics Nichols Institute San Juan Capistrano); PubMed 35264596 (cited by Ambry Genetics and Quest Diagnostics Nichols Institute San Juan Capistrano); PubMed 33471991 (cited by Quest Diagnostics Nichols Institute San Juan Capistrano); PubMed 34326862 (cited by Quest Diagnostics Nichols Institute San Juan Capistrano); PubMed 35534704 (cited by Quest Diagnostics Nichols Institute San Juan Capistrano); PubMed 35449176 (cited by Quest Diagnostics Nichols Institute San Juan Capistrano); PubMed 36243179 (cited by Quest Diagnostics Nichols Institute San Juan Capistrano).